The following is an entry in ClinVar:

ClinVar aggregate classification (germline): Uncertain significance. Review status: criteria provided, multiple submitters, no conflicts (2 of 4 stars). 2 submissions from 2 submitters: Uncertain significance (2). Last evaluated 2026-02-01.

Conditions:
Familial cancer of breast. Also called: Hereditary breast cancer; BREAST CANCER, FAMILIAL; hereditary breast carcinoma. Identifiers: Orphanet 227535, MedGen C0346153, MONDO:0016419, OMIM 114480. Disease mechanism: loss of function.

Submissions (2):

GeneDx
Classification: Uncertain significance. Last evaluated: 2026-02-01. Review status: criteria provided, single submitter. Criteria: GeneDx Variant Classification Process June 2021. Collection method: clinical testing. Allele origin: germline.
Comment: Not observed at significant frequency in large population cohorts (gnomAD); In silico analysis supports that this missense variant has a deleterious effect on protein structure/function; Has not been previously published as pathogenic or benign to our knowledge; This variant is associated with the following publications: (PMID: 19369211, 20871615)

Labcorp Genetics (formerly Invitae), Labcorp
Classification: Uncertain significance for Familial cancer of breast. Last evaluated: 2024-01-31. Review status: criteria provided, single submitter. Criteria: Invitae Variant Classification Sherloc (09022015). Collection method: clinical testing. Allele origin: germline.
Comment: This sequence change replaces serine, which is neutral and polar, with phenylalanine, which is neutral and non-polar, at codon 172 of the PALB2 protein (p.Ser172Phe). This variant is not present in population databases (gnomAD no frequency). This variant has not been reported in the literature in individuals affected with PALB2-related conditions. ClinVar contains an entry for this variant (Variation ID: 665980). An algorithm developed to predict the effect of missense changes on protein structure and function (PolyPhen-2) suggests that this variant is likely to be disruptive. In summary, the available evidence is currently insufficient to determine the role of this variant in disease. Therefore, it has been classified as a Variant of Uncertain Significance.

NM_024675.4(PALB2):c.515C>T (p.Ser172Phe)

Gene: PALB2 (partner and localizer of BRCA2; minus strand). Cytogenetic location: 16p12.2.
Variant type: single nucleotide variant.
Coding change: c.515C>T on transcript NM_024675.4 (MANE Select); coding-DNA position 515, C replaced by T.
Protein change: p.Ser172Phe; replaces serine 172 with phenylalanine.
Molecular consequence: missense variant.
Genome position (GRCh38, 1-based): chr16:23,636,031, G>A on the plus strand (C>T on the coding strand, the complement: PALB2 is on the minus strand). VCF-style: chr16-23636031-G-A. GRCh37 (hg19) VCF-style: chr16-23647352-G-A.
Other names: short protein forms S172F.
Identifiers: ClinVar variation 665980 (VCV000665980.12), dbSNP rs1597099026, ClinGen allele CA395137000.